The following is an entry in ClinVar:

ClinVar aggregate classification (germline): Uncertain significance. Review status: criteria provided, multiple submitters, no conflicts (2 of 4 stars). 2 submissions from 2 submitters: Uncertain significance (2). Last evaluated 2025-05-13.

Allele frequency attached by ClinVar (database versions not stated): gnomAD exomes below 0.00001; gnomAD 0.00001; ExAC 0.00002; TOPMed 0.00004.
gnomAD v4.1: 6 of 1,207,975 alleles (0.0005%); highest among the groups gnomAD compares: Admixed American, 0.0088%; no homozygotes.

Submissions (2):

Labcorp Genetics (formerly Invitae), Labcorp
Classification: Uncertain significance. Last evaluated: 2025-05-13. Review status: criteria provided, single submitter. Criteria: Invitae Variant Classification Sherloc (09022015). Collection method: clinical testing. Allele origin: germline.
Comment: This sequence change replaces arginine, which is basic and polar, with cysteine, which is neutral and slightly polar, at codon 1158 of the CACNA1F protein (p.Arg1158Cys). This variant is present in population databases (rs781935911, gnomAD 0.01%). This variant has not been reported in the literature in individuals affected with CACNA1F-related conditions. ClinVar contains an entry for this variant (Variation ID: 3015322). An algorithm developed to predict the effect of missense changes on protein structure and function (PolyPhen-2) suggests that this variant is likely to be disruptive. In summary, the available evidence is currently insufficient to determine the role of this variant in disease. Therefore, it has been classified as a Variant of Uncertain Significance.

Blueprint Genetics
Classification: Uncertain significance. Last evaluated: 2019-10-28. Review status: criteria provided, single submitter. Criteria: ACMG Guidelines, 2015. Collection method: clinical testing. Allele origin: germline.

NM_001256789.3(CACNA1F):c.3439C>T (p.Arg1147Cys)

Gene: CACNA1F (calcium voltage-gated channel subunit alpha1 F; minus strand). Cytogenetic location: Xp11.23.
Variant type: single nucleotide variant.
Coding change: c.3439C>T on transcript NM_001256789.3 (MANE Select); coding-DNA position 3439, C replaced by T.
Protein change: p.Arg1147Cys; replaces arginine 1147 with cysteine.
Molecular consequence: missense variant.
Genome position (GRCh38, 1-based): chrX:49,215,244, G>A on the plus strand (C>T on the coding strand, the complement: CACNA1F is on the minus strand). VCF-style: chrX-49215244-G-A. GRCh37 (hg19) VCF-style: chrX-49071704-G-A.
Other names: c.3277C>T, p.Arg1093Cys (NM_001256790.3); c.3472C>T, p.Arg1158Cys (NM_005183.4); short protein forms R1158C, R1147C, R1093C.
Identifiers: ClinVar variation 3015322 (VCV003015322.4), dbSNP rs781935911, ClinGen allele CA10410447.